The following is an entry in ClinVar:

ClinVar aggregate classification (germline): Uncertain significance. Review status: criteria provided, multiple submitters, no conflicts (2 of 4 stars). 2 submissions from 2 submitters: Uncertain significance (2). Last evaluated 2025-10-30.

Conditions:
Hereditary cancer-predisposing syndrome. Also called: Hereditary Cancer Syndrome; Hereditary neoplastic syndrome; Neoplastic Syndromes, Hereditary; Tumor predisposition. Identifiers: Orphanet 140162, MedGen C0027672, MeSH D009386, MONDO:0015356.

Submissions (2):

Ambry Genetics
Classification: Uncertain significance for Hereditary cancer-predisposing syndrome. Last evaluated: 2025-10-30. Review status: criteria provided, single submitter. Criteria: Ambry Variant Classification Scheme 2023. Collection method: clinical testing. Allele origin: germline.
Comment: The p.T166I variant (also known as c.497C>T), located in coding exon 4 of the PALB2 gene, results from a C to T substitution at nucleotide position 497. The threonine at codon 166 is replaced by isoleucine, an amino acid with similar properties. This amino acid position is conserved. In addition, this alteration is predicted to be tolerated by in silico analysis. Based on the available evidence, the clinical significance of this variant remains unclear.

GeneDx
Classification: Uncertain significance. Last evaluated: 2022-11-22. Review status: criteria provided, single submitter. Criteria: GeneDx Variant Classification Process June 2021. Collection method: clinical testing. Allele origin: germline. Affected: yes.
Comment: Not observed at significant frequency in large population cohorts (gnomAD); In silico analysis supports that this missense variant does not alter protein structure/function; Has not been previously published as pathogenic or benign to our knowledge; This variant is associated with the following publications: (PMID: 19369211, 20871615)

NM_024675.4(PALB2):c.497C>T (p.Thr166Ile)

Gene: PALB2 (partner and localizer of BRCA2; minus strand). Cytogenetic location: 16p12.2.
Variant type: single nucleotide variant.
Coding change: c.497C>T on transcript NM_024675.4 (MANE Select); coding-DNA position 497, C replaced by T.
Protein change: p.Thr166Ile; replaces threonine 166 with isoleucine.
Molecular consequence: missense variant. On other transcripts: 5 prime UTR variant (8), intron variant (3).
Genome position (GRCh38, 1-based): chr16:23,636,049, G>A on the plus strand (C>T on the coding strand, the complement: PALB2 is on the minus strand). VCF-style: chr16-23636049-G-A. GRCh37 (hg19) VCF-style: chr16-23647370-G-A.
Other names: c.437C>T, p.Thr146Ile (NM_001407296.1); c.497C>T, p.Thr166Ile (NM_001407297.1, NM_001407298.1, NM_001407299.1 and 3 more transcripts); c.-389C>T (NM_001407304.1, NM_001407305.1, NM_001407306.1 and 5 more transcripts); c.48+5061C>T (NM_001407314.1); c.-105+5061C>T (NM_001407313.1, NM_001407312.1); short protein forms T146I, T166I.
Identifiers: ClinVar variation 2502634 (VCV002502634.2), dbSNP rs2142442014, ClinGen allele CA395137051.